The following is an entry in ClinVar:

ClinVar aggregate classification (germline): Uncertain significance (1 of 4 stars; one submission).

Conditions:
Charcot-Marie-Tooth disease, demyelinating, type 1J. Also called: CHARCOT-MARIE-TOOTH NEUROPATHY, DEMYELINATING, TYPE 1J. Identifiers: MedGen C5774249, MONDO:0859311, OMIM 620111.

gnomAD v4.1: 4 of 1,611,032 alleles (0.00025%); highest among the groups gnomAD compares: Non-Finnish European, 0.00034%; no homozygotes.

Submission:

MVZ Medizinische Genetik Mainz
Classification: Uncertain significance for Charcot-Marie-Tooth disease, demyelinating, type 1J. Last evaluated: 2026-08-06. Review status: criteria provided, single submitter. Criteria: UK Practice Guidelines For Variant Classification V4 01 2020. Collection method: clinical testing. Allele origin: germline. Inheritance: Autosomal dominant inheritance. Affected: yes. Observed: 1 variant allele.
Comment: ACMG Criteria: PP3_MOD,PM2_SUP,PP2

NM_002224.4(ITPR3):c.7024A>G (p.Ser2342Gly)

Gene: ITPR3 (inositol 1,4,5-trisphosphate receptor type 3; plus strand). Cytogenetic location: 6p21.31.
Variant type: single nucleotide variant.
Coding change: c.7024A>G on transcript NM_002224.4 (MANE Select); coding-DNA position 7024, A replaced by G.
Protein change: p.Ser2342Gly; replaces serine 2342 with glycine.
Molecular consequence: missense variant.
Genome position (GRCh38, 1-based): chr6:33,690,190, A>G. VCF-style: chr6-33690190-A-G. GRCh37 (hg19) VCF-style: chr6-33657967-A-G.
Other names: short protein forms S2342G.
Identifiers: ClinVar variation 4887040 (VCV004887040.1).